The following is an entry in ClinVar:

ClinVar aggregate classification (germline): Uncertain significance (1 of 4 stars; one submission).

Conditions:
Hereditary factor VIII deficiency disease (HEMA). Also called: AUTOSOMAL HEMOPHILIA A; HEMOPHILIA, CLASSIC; Hemophilia A, congenital; HEM A; Factor 8 deficiency, congenital; Hemophilia A. Identifiers: Orphanet 98878, MedGen C0019069, MONDO:0010602, OMIM 306700.

Submission:

Myriad Genetics, Inc.
Classification: Uncertain significance for Hereditary factor VIII deficiency disease. Last evaluated: 2026-04-30. Review status: criteria provided, single submitter. Criteria: Myriad Autosomal Dominant, Autosomal Recessive and X-Linked Classification Criteria (2023). Collection method: clinical testing. Allele origin: unknown.
Comment: NM_000132.3(F8):c.889G>A(V297M) is a missense variant classified as a variant of uncertain significance in the context of hemophilia A. V297M has been observed in a case with relevant disease (PMID: 16173970). Relevant functional assessments of this variant are not available in the literature. V297M has not been observed in referenced population frequency databases. In summary, there is insufficient evidence to classify NM_000132.3(F8):c.889G>A(V297M) as pathogenic or benign. Please note: this variant was assessed in the context of healthy population screening.

Literature cited by the submitters: PubMed 16173970.

NM_000132.4(F8):c.889G>A (p.Val297Met)

Gene: F8 (coagulation factor VIII; minus strand). Cytogenetic location: Xq28.
Variant type: single nucleotide variant.
Coding change: c.889G>A on transcript NM_000132.4 (MANE Select); coding-DNA position 889, G replaced by A.
Protein change: p.Val297Met; replaces valine 297 with methionine.
Molecular consequence: missense variant.
Genome position (GRCh38, 1-based): chrX:154,969,451, C>T on the plus strand (G>A on the coding strand, the complement: F8 is on the minus strand). VCF-style: chrX-154969451-C-T. GRCh37 (hg19) VCF-style: chrX-154197726-C-T.
Other names: short protein forms V297M.
Identifiers: ClinVar variation 5004635 (VCV005004635.1).
Genomic context (GRCh38, chrX:154,969,451, plus strand): 5'-TTTGAGCAGTAAGGAAAGTTATTGGCGAGATTTCCAAGGACGCCTGGCGATGGTTCCTCA[C>T]AAGAAATGTGTGACCTTCGAGGAATATTGAGTGCACTTCAGGAGTGGTGCCCATTCCAAT-3'
Protein context (NP_000123.1, residues 287-307): SIFLEGHTFL[Val297Met]RNHRQASLEI